The following is an entry in ClinVar:

NM_005502.4(ABCA1):c.4876C>T (p.His1626Tyr)

Gene: ABCA1 (ATP binding cassette subfamily A member 1; minus strand). Cytogenetic location: 9q31.1.
Variant type: single nucleotide variant.
Coding change: c.4876C>T on transcript NM_005502.4 (MANE Select); coding-DNA position 4876, C replaced by T.
Protein change: p.His1626Tyr; replaces histidine 1626 with tyrosine.
Molecular consequence: missense variant.
Genome position (GRCh38, 1-based): chr9:104,799,886, G>A on the plus strand (C>T on the coding strand, the complement: ABCA1 is on the minus strand). VCF-style: chr9-104799886-G-A. GRCh37 (hg19) VCF-style: chr9-107562167-G-A.
Other names: short protein forms H1626Y.
Identifiers: ClinVar variation 2298317 (VCV002298317.3), dbSNP rs1420814443, ClinGen allele CA374314455.
Genomic context (GRCh38, chr9:104,799,886, plus strand): 5'-CCTCTGAGAGCTGCTGCTTGGTGAGATTCAGGGGATGATTGAAAGCAGTAATTCCATAAT[G>A]GCTAGGGTTCTCTCCCTTTTGCAGGTTGGCCCGGAGAATGGCATTGTTGATGACATTCAG-3'
Protein context (NP_005493.2, residues 1616-1636): ANLQKGENPS[His1626Tyr]YGITAFNHPL

ClinVar aggregate classification (germline): Uncertain significance (1 of 4 stars; one submission).

Conditions:
Cardiovascular phenotype. Identifiers: MedGen CN230736.

Allele frequency attached by ClinVar (database versions not stated): TOPMed below 0.00001; gnomAD exomes below 0.00001; gnomAD 0.00001.
gnomAD v4.1: 2 of 1,614,056 alleles (0.00012%); highest among the groups gnomAD compares: Non-Finnish European, 0.00017%; no homozygotes.

Submission:

Ambry Genetics
Classification: Uncertain significance for Cardiovascular phenotype. Last evaluated: 2025-10-26. Review status: criteria provided, single submitter. Criteria: Ambry Variant Classification Scheme 2023. Collection method: clinical testing. Allele origin: germline.
Comment: The p.H1626Y variant (also known as c.4876C>T), located in coding exon 35 of the ABCA1 gene, results from a C to T substitution at nucleotide position 4876. The histidine at codon 1626 is replaced by tyrosine, an amino acid with similar properties. This amino acid position is conserved. In addition, this alteration is predicted to be tolerated by in silico analysis. Based on the available evidence, the clinical significance of this variant remains unclear.